The following is an entry in ClinVar:

NM_001384732.1(CPLANE1):c.2500+1G>A

Gene: CPLANE1 (ciliogenesis and planar polarity effector complex subunit 1; minus strand). Cytogenetic location: 5p13.2.
Variant type: single nucleotide variant.
Coding change: c.2500+1G>A on transcript NM_001384732.1 (MANE Select); the canonical splice donor site of the intron after coding-DNA position 2500, G replaced by A.
Molecular consequence: splice donor variant.
Genome position (GRCh38, 1-based): chr5:37,224,531, C>T on the plus strand (G>A on the coding strand, the complement: CPLANE1 is on the minus strand). VCF-style: chr5-37224531-C-T. GRCh37 (hg19) VCF-style: chr5-37224633-C-T.
Other names: c.2500+1G>A (NM_023073.4, NM_023073.3).
Identifiers: ClinVar variation 1496130 (VCV001496130.12), dbSNP rs1796033726, ClinGen allele CA359492403.
Genomic context (GRCh38, chr5:37,224,531, plus strand): 5'-CAAAGTCTGGTTAACTATGTCATTTATTCATGGAGTTAGAAAATATTCATAAGATACTGA[C>T]CATTGATAGATTTAAGTTCTAAGGTTTGATTCAAGCAATCTCCAGTACTCTGTAGGTTAG-3'

ClinVar aggregate classification (germline): Likely pathogenic. Review status: criteria provided, multiple submitters, no conflicts (2 of 4 stars). 4 submissions from 4 submitters: Likely pathogenic (4). Last evaluated 2024-04-12.

Conditions:
Joubert syndrome 17 (JBTS17). Identifiers: Orphanet 475, MedGen C3553264, MONDO:0013824, OMIM 614615.
Orofaciodigital syndrome type 6 (OFD6). Also called: OROFACIODIGITAL SYNDROME VI; OFDS VI; POLYDACTYLY, CLEFT LIP/PALATE OR LINGUAL LUMP, AND PSYCHOMOTOR RETARDATION; VARADI SYNDROME; VARADI-PAPP SYNDROME; Oral-facial-digital syndrome type 6. Identifiers: Orphanet 2754, MedGen C2745997, MONDO:0010176, OMIM 277170.
CPLANE1-related disorders.

Allele frequency attached by ClinVar (database versions not stated): TOPMed below 0.00001; gnomAD 0.00001.
gnomAD v4.1: 2 of 1,536,100 alleles (0.00013%); highest among the groups gnomAD compares: African/African-American, 0.0014%; no homozygotes.

Submissions (4):

Fulgent Genetics
Classification: Likely pathogenic for Orofaciodigital syndrome type 6; Joubert syndrome 17. Last evaluated: 2024-04-12. Review status: criteria provided, single submitter. Criteria: ACMG Guidelines, 2015. Collection method: clinical testing. Allele origin: germline.

Labcorp Genetics (formerly Invitae), Labcorp
Classification: Likely pathogenic. Last evaluated: 2021-02-13. Review status: criteria provided, single submitter. Criteria: Invitae Variant Classification Sherloc (09022015). Collection method: clinical testing. Allele origin: germline.
Comment: In summary, the currently available evidence indicates that the variant is pathogenic, but additional data are needed to prove that conclusively. Therefore, this variant has been classified as Likely Pathogenic. Algorithms developed to predict the effect of sequence changes on RNA splicing suggest that this variant may disrupt the consensus splice site, but this prediction has not been confirmed by published transcriptional studies. This variant has not been reported in the literature in individuals with CPLANE1-related conditions. This variant is not present in population databases (ExAC no frequency). This sequence change affects a donor splice site in intron 13 of the CPLANE1 gene. It is expected to disrupt RNA splicing. Variants that disrupt the donor or acceptor splice site typically lead to a loss of protein function (PMID: 16199547), and loss-of-function variants in CPLANE1 are known to be pathogenic (PMID: 24178751, 26092869).

Blueprint Genetics
Classification: Likely pathogenic for CPLANE1-related disorders. Last evaluated: 2020-05-25. Review status: criteria provided, single submitter. Criteria: ACMG Guidelines, 2015. Collection method: clinical testing. Allele origin: germline. Affected: yes. Observed: 1 variant allele.

Juno Genomics, Hangzhou Juno Genomics, Inc
Classification: Likely pathogenic for Joubert syndrome 17; Orofaciodigital syndrome type 6. Review status: criteria provided, single submitter. Criteria: ACMG Guidelines, 2015. Collection method: clinical testing. Allele origin: germline.
Comment: Null variant in a gene where loss of function (LOF) is a known mechanism of disease.;Absent from controls (or at extremely low frequency if recessive) in Genome Aggregation Database.

Literature cited by the submitters: PubMed 16199547 (cited by Labcorp Genetics (formerly Invitae), Labcorp); PubMed 24178751 (cited by Labcorp Genetics (formerly Invitae), Labcorp); PubMed 26092869 (cited by Labcorp Genetics (formerly Invitae), Labcorp).